The following is an entry in ClinVar:

ClinVar aggregate classification (germline): Uncertain significance (1 of 4 stars; one submission).

Allele frequency attached by ClinVar (database versions not stated): gnomAD exomes below 0.00001; ExAC 0.00001.
gnomAD v4.1: 1 of 1,613,846 alleles (0.000062%); highest among the groups gnomAD compares: South Asian, 0.0011%; no homozygotes.

Submission:

Labcorp Genetics (formerly Invitae), Labcorp
Classification: Uncertain significance. Last evaluated: 2023-10-13. Review status: criteria provided, single submitter. Criteria: Invitae Variant Classification Sherloc (09022015). Collection method: clinical testing. Allele origin: germline.
Comment: This sequence change replaces glutamic acid, which is acidic and polar, with lysine, which is basic and polar, at codon 331 of the ABHD12 protein (p.Glu331Lys). The frequency data for this variant in the population databases is considered unreliable, as metrics indicate poor data quality at this position in the gnomAD database. This variant has not been reported in the literature in individuals affected with ABHD12-related conditions. ClinVar contains an entry for this variant (Variation ID: 1054344). Advanced modeling of protein sequence and biophysical properties (such as structural, functional, and spatial information, amino acid conservation, physicochemical variation, residue mobility, and thermodynamic stability) performed at Invitae indicates that this missense variant is not expected to disrupt ABHD12 protein function. In summary, the available evidence is currently insufficient to determine the role of this variant in disease. Therefore, it has been classified as a Variant of Uncertain Significance.

NM_001042472.3(ABHD12):c.991G>A (p.Glu331Lys)

Gene: ABHD12 (abhydrolase domain containing 12, lysophospholipase; minus strand). Cytogenetic location: 20p11.21.
Variant type: single nucleotide variant.
Coding change: c.991G>A on transcript NM_001042472.3 (MANE Select); coding-DNA position 991, G replaced by A.
Protein change: p.Glu331Lys; replaces glutamic acid 331 with lysine.
Molecular consequence: missense variant.
Genome position (GRCh38, 1-based): chr20:25,303,588, C>T on the plus strand (G>A on the coding strand, the complement: ABHD12 is on the minus strand). VCF-style: chr20-25303588-C-T. GRCh37 (hg19) VCF-style: chr20-25284224-C-T.
Other names: c.991G>A, p.Glu331Lys (NM_015600.5); short protein forms E331K.
Identifiers: ClinVar variation 1054344 (VCV001054344.9), dbSNP rs767673724, ClinGen allele CA9795906.